The following is an entry in ClinVar:

ClinVar aggregate classification (germline): Uncertain significance (1 of 4 stars; one submission).

Submission:

Labcorp Genetics (formerly Invitae), Labcorp
Classification: Uncertain significance. Last evaluated: 2021-12-23. Review status: criteria provided, single submitter. Criteria: Invitae Variant Classification Sherloc (09022015). Collection method: clinical testing. Allele origin: germline.
Comment: This sequence change replaces histidine, which is basic and polar, with tyrosine, which is neutral and polar, at codon 107 of the NFE2L2 protein (p.His107Tyr). This variant is not present in population databases (gnomAD no frequency). This variant has not been reported in the literature in individuals affected with NFE2L2-related conditions. Algorithms developed to predict the effect of missense changes on protein structure and function (SIFT, PolyPhen-2, Align-GVGD) all suggest that this variant is likely to be tolerated. In summary, the available evidence is currently insufficient to determine the role of this variant in disease. Therefore, it has been classified as a Variant of Uncertain Significance.

NM_006164.5(NFE2L2):c.319C>T (p.His107Tyr)

Gene: NFE2L2 (NFE2 like bZIP transcription factor 2; minus strand). Cytogenetic location: 2q31.2.
Variant type: single nucleotide variant.
Coding change: c.319C>T on transcript NM_006164.5 (MANE Select); coding-DNA position 319, C replaced by T.
Protein change: p.His107Tyr; replaces histidine 107 with tyrosine.
Molecular consequence: missense variant. On other transcripts: intron variant (1).
Genome position (GRCh38, 1-based): chr2:177,233,333, G>A on the plus strand (C>T on the coding strand, the complement: NFE2L2 is on the minus strand). VCF-style: chr2-177233333-G-A. GRCh37 (hg19) VCF-style: chr2-178098061-G-A.
Other names: c.271C>T, p.His91Tyr (NM_001145412.3, NM_001145413.3, NM_001313900.1 and 1 more transcripts); c.100C>T, p.His34Tyr (NM_001313903.2); c.19C>T, p.His7Tyr (NM_001313904.1); c.312+672C>T (NM_001313902.2); short protein forms H107Y, H7Y, H34Y, H91Y.
Identifiers: ClinVar variation 1950352 (VCV001950352.5), dbSNP rs1689626485, ClinGen allele CA349379891.